The following is an entry in ClinVar:

NM_001369.3(DNAH5):c.5754_5755insGATGTGTATAAGAGACAGT (p.Gln1919fs)

Gene: DNAH5 (dynein axonemal heavy chain 5; minus strand). Cytogenetic location: 5p15.2.
Variant type: Insertion.
Coding change: c.5754_5755insGATGTGTATAAGAGACAGT on transcript NM_001369.3 (MANE Select); coding-DNA positions 5754 to 5755, GATGTGTATAAGAGACAGT inserted.
Protein change: p.Gln1919fs; shifts the reading frame from glutamine 1919.
Molecular consequence: frameshift variant.
Genome position: GRCh38 VCF-style: chr5-13839483-G-GACTGTCTCTTATACACATC. GRCh37 (hg19) VCF-style: chr5-13839592-G-GACTGTCTCTTATACACATC.
Other names: short protein forms Q1919fs.
Identifiers: ClinVar variation 5011001 (VCV005011001.1).

ClinVar aggregate classification (germline): Pathogenic (1 of 4 stars; one submission).

Conditions:
Primary ciliary dyskinesia 3. Identifiers: Orphanet 244, MedGen C1837618, MONDO:0012085, OMIM 608644.

Submission:

Myriad Genetics, Inc.
Classification: Pathogenic for Primary ciliary dyskinesia 3. Last evaluated: 2024-05-14. Review status: criteria provided, single submitter. Criteria: Myriad Autosomal Dominant, Autosomal Recessive and X-Linked Classification Criteria (2023). Collection method: clinical testing. Allele origin: unknown.
Comment: NM_001369.2(DNAH5):c.5754_5755ins19(Q1919Dfs*13) is expected to be pathogenic in the context of primary ciliary dyskinesia, DNAH5-related. This variant is predicted to lead to an abnormal or absent protein product due to the creation of a premature termination codon in DNAH5, a gene where loss-of-function variants are known to be pathogenic. Please note: this variant was assessed in the context of healthy population screening.